The following is an entry in ClinVar:

NM_015629.4(PRPF31):c.1300G>A (p.Val434Ile)

Gene: PRPF31 (pre-mRNA processing factor 31; plus strand). Cytogenetic location: 19q13.42.
Variant type: single nucleotide variant.
Coding change: c.1300G>A on transcript NM_015629.4 (MANE Select); coding-DNA position 1300, G replaced by A.
Protein change: p.Val434Ile; replaces valine 434 with isoleucine.
Molecular consequence: missense variant.
Genome position (GRCh38, 1-based): chr19:54,129,296, G>A. VCF-style: chr19-54129296-G-A. GRCh37 (hg19) VCF-style: chr19-54632671-G-A.
Other names: short protein forms V434I.
Identifiers: ClinVar variation 4822978 (VCV004822978.4).

ClinVar aggregate classification (germline): Uncertain significance (1 of 4 stars; one submission).

gnomAD v4.1: 9 of 1,610,924 alleles (0.00056%); highest among the groups gnomAD compares: South Asian, 0.0011%; no homozygotes.

Submission:

CeGaT Center for Human Genetics Tuebingen
Classification: Uncertain significance. Last evaluated: 2026-01-01. Review status: criteria provided, single submitter. Criteria: CeGaT Center For Human Genetics Tuebingen Variant Classification Criteria Version 2. Collection method: clinical testing. Allele origin: germline. Affected: yes. Observed: 1 variant allele.
Comment: PRPF31: PM2, PP2